The following is an entry in ClinVar:

NM_002900.3(RBP3):c.728C>T (p.Ala243Val)

Gene: RBP3 (retinol binding protein 3; plus strand). Cytogenetic location: 10q11.22.
Variant type: single nucleotide variant.
Coding change: c.728C>T on transcript NM_002900.3 (MANE Select); coding-DNA position 728, C replaced by T.
Protein change: p.Ala243Val; replaces alanine 243 with valine.
Molecular consequence: missense variant.
Genome position (GRCh38, 1-based): chr10:47,349,212, C>T. VCF-style: chr10-47349212-C-T. GRCh37 (hg19) VCF-style: chr10-48390150-G-A.
Other names: short protein forms A243V.
Identifiers: ClinVar variation 1354205 (VCV001354205.4), dbSNP rs370124984, ClinGen allele CA5487710.

ClinVar aggregate classification (germline): Uncertain significance. Review status: criteria provided, multiple submitters, no conflicts (2 of 4 stars). 2 submissions from 2 submitters: Uncertain significance (2). Last evaluated 2022-06-05.

Allele frequency attached by ClinVar (database versions not stated): gnomAD 0.00001; gnomAD exomes 0.00001; ExAC 0.00002; ESP Exome Variant Server 0.00008.
gnomAD v4.1: 19 of 1,613,434 alleles (0.0012%); highest among the groups gnomAD compares: African/African-American, 0.0053%; no homozygotes.

Submissions (2):

Labcorp Genetics (formerly Invitae), Labcorp
Classification: Uncertain significance. Last evaluated: 2022-06-05. Review status: criteria provided, single submitter. Criteria: Invitae Variant Classification Sherloc (09022015). Collection method: clinical testing. Allele origin: germline.
Comment: This sequence change replaces alanine, which is neutral and non-polar, with valine, which is neutral and non-polar, at codon 243 of the RBP3 protein (p.Ala243Val). This variant is present in population databases (rs370124984, gnomAD 0.01%). This variant has not been reported in the literature in individuals affected with RBP3-related conditions. ClinVar contains an entry for this variant (Variation ID: 1354205). Algorithms developed to predict the effect of missense changes on protein structure and function output the following: SIFT: "Deleterious"; PolyPhen-2: "Probably Damaging"; Align-GVGD: "Class C0". The valine amino acid residue is found in multiple mammalian species, which suggests that this missense change does not adversely affect protein function. In summary, the available evidence is currently insufficient to determine the role of this variant in disease. Therefore, it has been classified as a Variant of Uncertain Significance.

Blueprint Genetics
Classification: Uncertain significance. Last evaluated: 2021-12-23. Review status: criteria provided, single submitter. Criteria: ACMG Guidelines, 2015. Collection method: clinical testing. Allele origin: germline.